The following is an entry in ClinVar:

ClinVar aggregate classification (germline): Uncertain significance (1 of 4 stars; one submission).

Conditions:
Inborn genetic diseases. Identifiers: MedGen C0950123, MeSH D030342.

Submission:

Ambry Genetics
Classification: Uncertain significance for Inborn genetic diseases. Last evaluated: 2026-05-18. Review status: criteria provided, single submitter. Criteria: Ambry Variant Classification Scheme 2023. Collection method: clinical testing. Allele origin: germline.
Comment: The p.P690L variant (also known as c.2069C>T), located in coding exon 8 of the MECOM gene, results from a C to T substitution at nucleotide position 2069. The proline at codon 690 is replaced by leucine, an amino acid with similar properties. This amino acid position is conserved. In addition, the in silico prediction for this alteration is inconclusive. Based on the available evidence, the clinical significance of this variant remains unclear.

NM_004991.4(MECOM):c.2069C>T (p.Pro690Leu)

Gene: MECOM (MDS1 and EVI1 complex locus; minus strand). Cytogenetic location: 3q26.2.
Variant type: single nucleotide variant.
Coding change: c.2069C>T on transcript NM_004991.4 (MANE Select); coding-DNA position 2069, C replaced by T.
Protein change: p.Pro690Leu; replaces proline 690 with leucine.
Molecular consequence: missense variant. On other transcripts: intron variant (2).
Genome position (GRCh38, 1-based): chr3:169,115,803, G>A on the plus strand (C>T on the coding strand, the complement: MECOM is on the minus strand). VCF-style: chr3-169115803-G-A. GRCh37 (hg19) VCF-style: chr3-168833591-G-A.
Other names: c.1700C>T, p.Pro567Leu (NM_001105077.4); c.1505C>T, p.Pro502Leu (NM_001105078.4, NM_001164000.2, NM_001205194.2 and 4 more transcripts); c.1508C>T, p.Pro503Leu (NM_001163999.2, NM_001366467.2, NM_001366468.2 and 1 more transcripts); c.2069C>T, p.Pro690Leu (NM_001366466.2); c.1133-36C>T (NM_001366473.2); c.569-36C>T (NM_001366474.2); short protein forms P502L, P503L, P567L, P690L.
Identifiers: ClinVar variation 4859788 (VCV004859788.1).